The following is an entry in ClinVar:

NM_152783.5(D2HGDH):c.535C>T (p.Arg179Trp)

Gene: D2HGDH (D-2-hydroxyglutarate dehydrogenase; plus strand). Cytogenetic location: 2q37.3.
Variant type: single nucleotide variant.
Coding change: c.535C>T on transcript NM_152783.5 (MANE Select); coding-DNA position 535, C replaced by T.
Protein change: p.Arg179Trp; replaces arginine 179 with tryptophan.
Molecular consequence: missense variant. On other transcripts: 5 prime UTR variant (1), non-coding transcript variant (1).
Genome position (GRCh38, 1-based): chr2:241,743,666, C>T. VCF-style: chr2-241743666-C-T. GRCh37 (hg19) VCF-style: chr2-242683081-C-T.
Other names: c.133C>T, p.Arg45Trp (NM_001287249.2); c.-27C>T (NM_001352824.2); short protein forms R179W, R45W.
Identifiers: ClinVar variation 3708339 (VCV003708339.2).

ClinVar aggregate classification (germline): Uncertain significance (1 of 4 stars; one submission).

Conditions:
D-2-hydroxyglutaric aciduria 1 (D2HGA1). Identifiers: Orphanet 79315, MedGen C3152055, MONDO:0024554, OMIM 600721.

Submission:

Labcorp Genetics (formerly Invitae), Labcorp
Classification: Uncertain significance for D-2-hydroxyglutaric aciduria 1. Last evaluated: 2024-10-08. Review status: criteria provided, single submitter. Criteria: Invitae Variant Classification Sherloc (09022015). Collection method: clinical testing. Allele origin: germline.
Comment: This sequence change replaces arginine, which is basic and polar, with tryptophan, which is neutral and slightly polar, at codon 179 of the D2HGDH protein (p.Arg179Trp). The frequency data for this variant in the population databases is considered unreliable, as metrics indicate poor data quality at this position in the gnomAD database. This variant has not been reported in the literature in individuals affected with D2HGDH-related conditions. Invitae Evidence Modeling of protein sequence and biophysical properties (such as structural, functional, and spatial information, amino acid conservation, physicochemical variation, residue mobility, and thermodynamic stability) indicates that this missense variant is not expected to disrupt D2HGDH protein function with a negative predictive value of 95%. In summary, the available evidence is currently insufficient to determine the role of this variant in disease. Therefore, it has been classified as a Variant of Uncertain Significance.